The following is an entry in ClinVar:

ClinVar aggregate classification (germline): Uncertain significance (1 of 4 stars; one submission).

Conditions:
Tumor predisposition syndrome 3 (TPDS3). Also called: Melanoma, cutaneous malignant, susceptibility to, 10; Glioma susceptibility 9; LONG TELOMERE SYNDROME, POT1-RELATED; POT1 Tumor Predisposition. Identifiers: Orphanet 618, MedGen C4014476, MONDO:0014368, OMIM 615848.

gnomAD v4.1: 2 of 1,611,632 alleles (0.00012%); highest among the groups gnomAD compares: Non-Finnish European, 0.00017%; no homozygotes.

Submission:

Labcorp Genetics (formerly Invitae), Labcorp
Classification: Uncertain significance for Tumor predisposition syndrome 3. Last evaluated: 2025-06-03. Review status: criteria provided, single submitter. Criteria: Invitae Variant Classification Sherloc (09022015). Collection method: clinical testing. Allele origin: germline.
Comment: This sequence change replaces isoleucine, which is neutral and non-polar, with threonine, which is neutral and polar, at codon 306 of the POT1 protein (p.Ile306Thr). This variant is not present in population databases (gnomAD no frequency). This variant has not been reported in the literature in individuals affected with POT1-related conditions. Invitae Evidence Modeling of protein sequence and biophysical properties (such as structural, functional, and spatial information, amino acid conservation, physicochemical variation, residue mobility, and thermodynamic stability) indicates that this missense variant is not expected to disrupt POT1 protein function with a negative predictive value of 80%. In summary, the available evidence is currently insufficient to determine the role of this variant in disease. Therefore, it has been classified as a Variant of Uncertain Significance.

NM_015450.3(POT1):c.917T>C (p.Ile306Thr)

Gene: POT1 (protection of telomeres 1; minus strand). Cytogenetic location: 7q31.33.
Variant type: single nucleotide variant.
Coding change: c.917T>C on transcript NM_015450.3 (MANE Select); coding-DNA position 917, T replaced by C.
Protein change: p.Ile306Thr; replaces isoleucine 306 with threonine.
Molecular consequence: missense variant. On other transcripts: non-coding transcript variant (3).
Genome position (GRCh38, 1-based): chr7:124,851,904, A>G on the plus strand (T>C on the coding strand, the complement: POT1 is on the minus strand). VCF-style: chr7-124851904-A-G. GRCh37 (hg19) VCF-style: chr7-124491958-A-G.
Other names: c.524T>C, p.Ile175Thr (NM_001042594.2); short protein forms I175T, I306T.
Identifiers: ClinVar variation 4809174 (VCV004809174.1).
Genomic context (GRCh38, chr7:124,851,904, plus strand): 5'-AACTGTCAATGTTAAAGATTATCCTTACTTGGAAAGCTGTCGTCAGGTTCTGATTGACAG[A>G]TAACATCTGAATGCTGATTGGCTGTCAAATTTGCAGATTCTAAATCCCTATAATTGAAAG-3'
Protein context (NP_056265.2, residues 296-316): NLTANQHSDV[Ile306Thr]CQSEPDDSFP